The following is an entry in ClinVar:

NM_020247.5(COQ8A):c.560G>A (p.Arg187His)

Gene: COQ8A (coenzyme Q8A; plus strand). Cytogenetic location: 1q42.13.
Variant type: single nucleotide variant.
Coding change: c.560G>A on transcript NM_020247.5 (MANE Select); coding-DNA position 560, G replaced by A.
Protein change: p.Arg187His; replaces arginine 187 with histidine.
Molecular consequence: missense variant.
Genome position (GRCh38, 1-based): chr1:226,965,382, G>A. VCF-style: chr1-226965382-G-A. GRCh37 (hg19) VCF-style: chr1-227153083-G-A.
Other names: short protein forms R187H.
Identifiers: ClinVar variation 2068353 (VCV002068353.2), dbSNP rs910884320, ClinGen allele CA345050604.

ClinVar aggregate classification (germline): Uncertain significance (1 of 4 stars; one submission).

Allele frequency attached by ClinVar (database versions not stated): TOPMed below 0.00001.

Submission:

Labcorp Genetics (formerly Invitae), Labcorp
Classification: Uncertain significance. Last evaluated: 2022-08-02. Review status: criteria provided, single submitter. Criteria: Invitae Variant Classification Sherloc (09022015). Collection method: clinical testing. Allele origin: germline.
Comment: In summary, the available evidence is currently insufficient to determine the role of this variant in disease. Therefore, it has been classified as a Variant of Uncertain Significance. Advanced modeling of protein sequence and biophysical properties (such as structural, functional, and spatial information, amino acid conservation, physicochemical variation, residue mobility, and thermodynamic stability) performed at Invitae indicates that this missense variant is not expected to disrupt COQ8A protein function. This variant has not been reported in the literature in individuals affected with COQ8A-related conditions. This variant is present in population databases (no rsID available, gnomAD 0.002%). This sequence change replaces arginine, which is basic and polar, with histidine, which is basic and polar, at codon 187 of the COQ8A protein (p.Arg187His).